The following is an entry in ClinVar:

ClinVar aggregate classification (germline): Uncertain significance (1 of 4 stars; one submission).

Conditions:
Developmental and epileptic encephalopathy, 14 (DEE14). Also called: Early infantile epileptic encephalopathy 14. Identifiers: Orphanet 293181, MedGen C3554195, MONDO:0013989, OMIM 614959.
Autosomal dominant nocturnal frontal lobe epilepsy 5. Also called: Epilepsy, nocturnal frontal lobe, 5; KCNT1-Related Epilepsy; CILIARY DYSKINESIA, PRIMARY, 28, WITHOUT SITUS INVERSUS; CILIARY DYSKINESIA, PRIMARY, 28, WITH SITUS INVERSUS. Identifiers: Orphanet 98784, MedGen C3554306, MONDO:0014002, OMIM 615005.

Allele frequency attached by ClinVar (database versions not stated): gnomAD 0.00001; ExAC 0.00003.

Submission:

Labcorp Genetics (formerly Invitae), Labcorp
Classification: Uncertain significance for Autosomal dominant nocturnal frontal lobe epilepsy 5; Developmental and epileptic encephalopathy, 14. Last evaluated: 2025-03-05. Review status: criteria provided, single submitter. Criteria: Invitae Variant Classification Sherloc (09022015). Collection method: clinical testing. Allele origin: germline.
Comment: This sequence change replaces arginine, which is basic and polar, with tryptophan, which is neutral and slightly polar, at codon 71 of the KCNT1 protein (p.Arg71Trp). The frequency data for this variant in the population databases is considered unreliable, as metrics indicate poor data quality at this position in the gnomAD database. This variant has not been reported in the literature in individuals affected with KCNT1-related conditions. ClinVar contains an entry for this variant (Variation ID: 647099). Invitae Evidence Modeling of protein sequence and biophysical properties (such as structural, functional, and spatial information, amino acid conservation, physicochemical variation, residue mobility, and thermodynamic stability) indicates that this missense variant is not expected to disrupt KCNT1 protein function with a negative predictive value of 95%. In summary, the available evidence is currently insufficient to determine the role of this variant in disease. Therefore, it has been classified as a Variant of Uncertain Significance.

NM_020822.3(KCNT1):c.211C>T (p.Arg71Trp)

Gene: KCNT1 (potassium sodium-activated channel subfamily T member 1; plus strand). Cytogenetic location: 9q34.3.
Variant type: single nucleotide variant.
Coding change: c.211C>T on transcript NM_020822.3 (MANE Select); coding-DNA position 211, C replaced by T.
Protein change: p.Arg71Trp; replaces arginine 71 with tryptophan.
Molecular consequence: missense variant. On other transcripts: intron variant (1).
Genome position (GRCh38, 1-based): chr9:135,714,677, C>T. VCF-style: chr9-135714677-C-T. GRCh37 (hg19) VCF-style: chr9-138606523-C-T.
Other names: c.110+12309C>T (NM_001272003.2); short protein forms R71W.
Identifiers: ClinVar variation 647099 (VCV000647099.9), dbSNP rs755348603, ClinGen allele CA5326299.